The following is an entry in ClinVar:

NM_000484.4(APP):c.-516C>G

Genes: APP (amyloid beta precursor protein; minus strand), APP-DT (APP divergent transcript; plus strand). Cytogenetic location: 21q21.3.
Variant type: single nucleotide variant.
Coding change: c.-516C>G on transcript NM_000484.4 (MANE Select); 516 bases upstream of the start codon, C replaced by G.
Genome position (GRCh38, 1-based): chr21:26,171,136, G>C on the plus strand (C>G on the coding strand, the complement: APP is on the minus strand). VCF-style: chr21-26171136-G-C. GRCh37 (hg19) VCF-style: chr21-27543454-G-C.
Identifiers: ClinVar variation 2637690 (VCV002637690.2), dbSNP rs539645405, ClinGen allele CA319572258.
Genomic context (GRCh38, chr21:26,171,136, plus strand): 5'-CTAGAAAAGTCGAGAGCGCTCCTGCTCGTCCCCGTGAGCTTGAATCATCCGACCCCGCAG[G>C]CCTCCCGGGGGTGTCGTATAAAGGACTGCTGCTAGGGTGCGTTTTTATCCGCATTTCGTT-3'

ClinVar aggregate classification (germline): Uncertain significance. Review status: criteria provided, multiple submitters, no conflicts (2 of 4 stars). 2 submissions from 2 submitters: Uncertain significance (2). Last evaluated 2026-05-28.

Conditions:
APP-related disorder. Also called: APP-related condition.

Allele frequency attached by ClinVar (database versions not stated): gnomAD 0.00022; TOPMed 0.00022.

Submissions (2):

PreventionGenetics, part of Exact Sciences
Classification: Uncertain significance for APP-related condition. Last evaluated: 2026-05-28. Review status: criteria provided, single submitter. Criteria: ACMG Guidelines, 2015. Collection method: clinical testing. Allele origin: germline.
Comment: The APP c.-516C>G variant is located in the 5' untranslated region. This variant, also described as c.-369C>G, was reported in an individual with Alzheimer disease (Theuns et al. 2006. PubMed ID: 16685645; Brouwers et al. 2006. PubMed ID: 16931535). Modeling of this variant resulted in nearly a two-fold increase in APP transcriptional activity and also interfered with the specific recognition of the APP promoter (Theuns et al. 2006. PubMed ID: 16685645). This variant is reported in 0.12% of alleles in individuals of Latino descent in gnomAD. At this time, the clinical significance of this variant is uncertain due to the absence of conclusive functional and genetic evidence.

Women's Health and Genetics/Laboratory Corporation of America, LabCorp
Classification: Uncertain significance. Last evaluated: 2023-10-12. Review status: criteria provided, single submitter. Criteria: LabCorp Variant Classification Summary - May 2015. Collection method: clinical testing. Allele origin: germline.
Comment: Variant summary: APP c.-516C>G (listed as c.-369C>G in literature) is located in the untranscribed region upstream of the APP gene region. The variant allele was found at a frequency of 0.00022 in 150960 control chromosomes. c.-516C>G has been reported in the literature in individuals affected with Alzheimer Disease (Brouwer_200, Theuns_2006) however also observed in an unaffected control. These data indicate that the variant may be associated with disease. At least one publication reports experimental evidence evaluating an impact on protein function demonstrating neuron-specific increase of APP transcription of about 2 fold (Theuns_2006). The following publications have been ascertained in the context of this evaluation (PMID: 16931535, 16685645). No submitters have cited clinical-significance assessments for this variant to ClinVar after 2014. Based on the evidence outlined above, the variant was classified as VUS-possibly pathogenic.

Literature cited by the submitters: PubMed 16931535 (cited by Women's Health and Genetics/Laboratory Corporation of America, LabCorp); PubMed 16685645 (cited by Women's Health and Genetics/Laboratory Corporation of America, LabCorp).